The following is an entry in ClinVar:

NM_144687.4(NLRP12):c.2666T>C (p.Leu889Pro)

Gene: NLRP12 (NLR family pyrin domain containing 12; minus strand). Cytogenetic location: 19q13.42.
Variant type: single nucleotide variant.
Coding change: c.2666T>C on transcript NM_144687.4 (MANE Select); coding-DNA position 2666, T replaced by C.
Protein change: p.Leu889Pro; replaces leucine 889 with proline.
Molecular consequence: missense variant.
Genome position (GRCh38, 1-based): chr19:53,801,317, A>G on the plus strand (T>C on the coding strand, the complement: NLRP12 is on the minus strand). VCF-style: chr19-53801317-A-G. GRCh37 (hg19) VCF-style: chr19-54304571-A-G.
Other names: c.2669T>C, p.Leu890Pro (NM_001277126.2); c.2666T>C, p.Leu889Pro (NM_001277129.1); short protein forms L889P, L890P.
Identifiers: ClinVar variation 2769083 (VCV002769083.3), dbSNP rs534132036, ClinGen allele CA407408426.

ClinVar aggregate classification (germline): Uncertain significance (1 of 4 stars; one submission).

Conditions:
Familial cold autoinflammatory syndrome 2 (FCAS2). Identifiers: Orphanet 247868, MedGen C2673198, MONDO:0012724, OMIM 611762.

Submission:

Labcorp Genetics (formerly Invitae), Labcorp
Classification: Uncertain significance for Familial cold autoinflammatory syndrome 2. Last evaluated: 2023-10-16. Review status: criteria provided, single submitter. Criteria: Invitae Variant Classification Sherloc (09022015). Collection method: clinical testing. Allele origin: germline.
Comment: This sequence change replaces leucine, which is neutral and non-polar, with proline, which is neutral and non-polar, at codon 889 of the NLRP12 protein (p.Leu889Pro). This variant is not present in population databases (gnomAD no frequency). This variant has not been reported in the literature in individuals affected with NLRP12-related conditions. An algorithm developed to predict the effect of missense changes on protein structure and function (PolyPhen-2) suggests that this variant is likely to be disruptive. In summary, the available evidence is currently insufficient to determine the role of this variant in disease. Therefore, it has been classified as a Variant of Uncertain Significance.